The following is an entry in ClinVar:

NM_006231.4(POLE):c.137dup (p.Leu46fs)

Gene: POLE (DNA polymerase epsilon, catalytic subunit; minus strand). Cytogenetic location: 12q24.33.
Variant type: Duplication.
Coding change: c.137dup on transcript NM_006231.4 (MANE Select); coding-DNA position 137, one base duplicated (T; older notation c.137dupT).
Protein change: p.Leu46fs; shifts the reading frame from leucine 46.
Molecular consequence: frameshift variant.
Genome position (GRCh38, 1-based): chr12:132,681,205, A duplicated on the plus strand (T on the coding strand, the reverse complement: POLE is on the minus strand); the first of 3 consecutive A bases (chr12:132,681,205-132,681,207); duplicating any one gives the same sequence. VCF-style (leftmost placement, unchanged base first): chr12-132681204-C-CA. GRCh37 (hg19) VCF-style: chr12-133257790-C-CA.
Other names: short protein forms L46fs.
Identifiers: ClinVar variation 3935664 (VCV003935664.1).

ClinVar aggregate classification (germline): Uncertain significance (1 of 4 stars; one submission).

Conditions:
Hereditary cancer-predisposing syndrome. Also called: Tumor predisposition; Hereditary neoplastic syndrome; Hereditary Cancer Syndrome; Neoplastic Syndromes, Hereditary. Identifiers: Orphanet 140162, MedGen C0027672, MeSH D009386, MONDO:0015356.

Submission:

Ambry Genetics
Classification: Uncertain significance for Hereditary cancer-predisposing syndrome. Last evaluated: 2025-05-25. Review status: criteria provided, single submitter. Criteria: Ambry Variant Classification Scheme 2023. Collection method: clinical testing. Allele origin: germline.
Comment: The c.137dupT variant, located in coding exon 2 of the POLE gene, results from a duplication of T at nucleotide position 137, causing a translational frameshift with a predicted alternate stop codon (p.L46Ffs*6). This alteration is expected to result in loss of function by premature protein truncation or nonsense-mediated mRNA decay. Although biallelic loss of function of POLE has been associated with autosomal recessive POLE deficiency, haploinsufficiency of POLE has not been established as a mechanism of disease for POLE-related polymerase proofreading-associated polyposis (PPAP) and POLE-related CMMRD-like syndrome. Based on the supporting evidence, this variant is expected to be causative of POLE deficiency when present along with a second pathogenic variant on the other allele; however, its clinical significance for PPAP and POLE-related CMMRD-like syndrome is unclear.